The following is an entry in ClinVar:

ClinVar aggregate classification (germline): Uncertain significance. Review status: criteria provided, multiple submitters, no conflicts (2 of 4 stars). 2 submissions from 2 submitters: Uncertain significance (2). Last evaluated 2022-05-20.

Conditions:
Hereditary cancer-predisposing syndrome. Also called: Tumor predisposition; Neoplastic Syndromes, Hereditary; Hereditary Cancer Syndrome; Hereditary neoplastic syndrome. Identifiers: Orphanet 140162, MedGen C0027672, MeSH D009386, MONDO:0015356.
Ataxia-telangiectasia syndrome (AT). Also called: ATAXIA-TELANGIECTASIA, COMPLEMENTATION GROUP A; ATAXIA-TELANGIECTASIA, FRESNO VARIANT; Ataxia-telangiectasia; Ataxia-telangiectasia, complementation group D; AT, COMPLEMENTATION GROUP C; Ataxia-telangiectasia, complementation group E. Identifiers: Orphanet 100, MedGen C0004135, MONDO:0008840, OMIM 208900.

Submissions (2):

Labcorp Genetics (formerly Invitae), Labcorp
Classification: Uncertain significance for Ataxia-telangiectasia syndrome. Last evaluated: 2022-05-20. Review status: criteria provided, single submitter. Criteria: Invitae Variant Classification Sherloc (09022015). Collection method: clinical testing. Allele origin: germline.
Comment: In summary, the available evidence is currently insufficient to determine the role of this variant in disease. Therefore, it has been classified as a Variant of Uncertain Significance. Advanced modeling of protein sequence and biophysical properties (such as structural, functional, and spatial information, amino acid conservation, physicochemical variation, residue mobility, and thermodynamic stability) performed at Invitae indicates that this missense variant is expected to disrupt ATM protein function. ClinVar contains an entry for this variant (Variation ID: 827440). This variant has not been reported in the literature in individuals affected with ATM-related conditions. This variant is not present in population databases (gnomAD no frequency). This sequence change replaces valine, which is neutral and non-polar, with alanine, which is neutral and non-polar, at codon 2696 of the ATM protein (p.Val2696Ala).

Ambry Genetics
Classification: Uncertain significance for Hereditary cancer-predisposing syndrome. Last evaluated: 2018-02-09. Review status: criteria provided, single submitter. Criteria: Ambry Variant Classification Scheme 2023. Collection method: clinical testing. Allele origin: germline.
Comment: The p.V2696A variant (also known as c.8087T>C), located in coding exon 54 of the ATM gene, results from a T to C substitution at nucleotide position 8087. The valine at codon 2696 is replaced by alanine, an amino acid with similar properties. This amino acid position is poorly conserved in available vertebrate species. In addition, this alteration is predicted to be tolerated by in silico analysis. Since supporting evidence is limited at this time, the clinical significance of this alteration remains unclear.

NM_000051.4(ATM):c.8087T>C (p.Val2696Ala)

Genes: ATM (ATM serine/threonine kinase; plus strand), C11orf65 (chromosome 11 open reading frame 65; minus strand). Cytogenetic location: 11q22.3.
Variant type: single nucleotide variant.
Coding change: c.8087T>C on transcript NM_000051.4 (MANE Select); coding-DNA position 8087, T replaced by C.
Protein change: p.Val2696Ala; replaces valine 2696 with alanine.
Molecular consequence: missense variant. On other transcripts: intron variant (2).
Genome position (GRCh38, 1-based): chr11:108,335,045, T>C. VCF-style: chr11-108335045-T-C. GRCh37 (hg19) VCF-style: chr11-108205772-T-C.
Other names: c.8087T>C, p.Val2696Ala (NM_001351834.2); c.641-25974A>G (NM_001330368.2); c.*38+175A>G (NM_001351110.2); short protein forms V2696A.
Identifiers: ClinVar variation 827440 (VCV000827440.11), dbSNP rs1591191762, ClinGen allele CA382562048.
Genomic context (GRCh38, chr11:108,335,045, plus strand): 5'-AATATGGAAATCTGGTGACTATACAGTCATTTAAAGCAGAATTTCGCTTAGCAGGAGGTG[T>C]AAATTTACCAAAAATAATAGATTGTGTAGGTTCCGATGGCAAGGAGAGGAGACAGCTTGT-3'
Protein context (NP_000042.3, residues 2686-2706): FKAEFRLAGG[Val2696Ala]NLPKIIDCVG